The following is an entry in ClinVar:

ClinVar aggregate classification (germline): Pathogenic (1 of 4 stars; one submission).

Submission:

Labcorp Genetics (formerly Invitae), Labcorp
Classification: Pathogenic. Last evaluated: 2022-02-25. Review status: criteria provided, single submitter. Criteria: Invitae Variant Classification Sherloc (09022015). Collection method: clinical testing. Allele origin: germline.
Comment: This variant has not been reported in the literature in individuals affected with RGS9-related conditions. This variant is not present in population databases (gnomAD no frequency). This sequence change creates a premature translational stop signal (p.Tyr80Leufs*68) in the RGS9 gene. It is expected to result in an absent or disrupted protein product. Loss-of-function variants in RGS9 are known to be pathogenic (PMID: 11262419, 14702087). For these reasons, this variant has been classified as Pathogenic.

Literature cited by the submitters: PubMed 11262419; PubMed 14702087.

NM_003835.4(RGS9):c.239del (p.Tyr80fs)

Gene: RGS9 (regulator of G protein signaling 9; plus strand). Cytogenetic location: 17q24.1.
Variant type: Deletion.
Coding change: c.239del on transcript NM_003835.4 (MANE Select); coding-DNA position 239, one base deleted (A; older notation c.239delA).
Protein change: p.Tyr80fs; shifts the reading frame from tyrosine 80.
Molecular consequence: frameshift variant.
Genome position (GRCh38, 1-based): chr17:65,160,266, A deleted. VCF-style (leftmost placement, unchanged base first): chr17-65160265-TA-T. GRCh37 (hg19) VCF-style: chr17-63156383-TA-T.
Other names: c.239del, p.Tyr80fs (NM_001081955.3, NM_001165933.2); short protein forms Y80fs.
Identifiers: ClinVar variation 1487790 (VCV001487790.6), dbSNP rs2143992779, ClinGen allele CA2573154794.